The following is an entry in ClinVar:

NM_001384272.1(HCRTR2):c.1292C>A (p.Thr431Lys)

Gene: HCRTR2 (hypocretin receptor 2; plus strand). Cytogenetic location: 6p12.1.
Variant type: single nucleotide variant.
Coding change: c.1292C>A on transcript NM_001384272.1 (MANE Select); coding-DNA position 1292, C replaced by A.
Protein change: p.Thr431Lys; replaces threonine 431 with lysine.
Molecular consequence: missense variant.
Genome position (GRCh38, 1-based): chr6:55,282,411, C>A. VCF-style: chr6-55282411-C-A. GRCh37 (hg19) VCF-style: chr6-55147209-C-A.
Other names: c.1292C>A, p.Thr431Lys (NM_001526.5); c.1292C>A (NM_001526.4); short protein forms T431K.
Identifiers: ClinVar variation 714952 (VCV000714952.6), dbSNP rs141299250, ClinGen allele CA3863729.

ClinVar aggregate classification (germline): Conflicting classifications of pathogenicity. Review status: criteria provided, conflicting classifications (1 of 4 stars). 3 submissions from 3 submitters: Uncertain significance (1); Likely benign (1). 1 of the submissions does not count toward it. Last evaluated 2025-08-21.

Conditions:
HCRTR2-related disorder. Also called: HCRTR2-related condition.

Allele frequency attached by ClinVar (database versions not stated): gnomAD exomes 0.00048; ExAC 0.00061; 1000 Genomes Project 30x 0.00172; 1000 Genomes Project 0.00180; ESP Exome Variant Server 0.00185; gnomAD 0.00206 and 0.00227; TOPMed 0.00216.
gnomAD v4.1: 612 of 1,611,498 alleles (0.038%); highest among the groups gnomAD compares: African/African-American, 0.7%; no homozygotes.

Submissions (3):

Ambry Genetics
Classification: Uncertain significance. Last evaluated: 2025-08-21. Review status: criteria provided, single submitter. Criteria: Ambry Variant Classification Scheme 2023. Collection method: clinical testing. Allele origin: germline.

Labcorp Genetics (formerly Invitae), Labcorp
Classification: Likely benign. Last evaluated: 2018-02-25. Review status: criteria provided, single submitter. Criteria: Invitae Variant Classification Sherloc (09022015). Collection method: clinical testing. Allele origin: germline.

PreventionGenetics, part of Exact Sciences
Classification: Likely benign for HCRTR2-related condition. Last evaluated: 2019-05-20. Review status: no assertion criteria provided. Collection method: clinical testing. Allele origin: germline. Not counted in ClinVar's aggregate classification.
Comment: This variant is classified as likely benign based on ACMG/AMP sequence variant interpretation guidelines (Richards et al. 2015 PMID: 25741868, with internal and published modifications).